The following is an entry in ClinVar:

ClinVar aggregate classification (germline): Benign/Likely benign. Review status: criteria provided, multiple submitters, no conflicts (2 of 4 stars). 2 submissions from 2 submitters: Benign (1); Likely benign (1). Last evaluated 2024-11-08.

Conditions:
Renal cell carcinoma. Identifiers: Orphanet 217071, MedGen C0007134, MeSH D002292, MONDO:0005086, HP:0005584.
Papillary renal cell carcinoma type 1 (RCCP1). Also called: RENAL CELL CARCINOMA, PAPILLARY, 1, SOMATIC; Renal adenocarcinoma; Renal cell carcinoma 1; Renal cell carcinoma, somatic. Identifiers: Orphanet 47044, MedGen C1336839, OMIM 605074, HP:0011797.

Allele frequency attached by ClinVar (database versions not stated): gnomAD exomes below 0.00001; ExAC 0.00001.
gnomAD v4.1: 1 of 1,613,966 alleles (0.000062%); highest among the groups gnomAD compares: Non-Finnish European, 0.000085%; no homozygotes.

Submissions (2):

Myriad Genetics, Inc.
Classification: Benign for Papillary renal cell carcinoma type 1. Last evaluated: 2024-11-08. Review status: criteria provided, single submitter. Criteria: Myriad Autosomal Dominant, Autosomal Recessive and X-Linked Classification Criteria (2023). Collection method: clinical testing. Allele origin: unknown.
Comment: This variant is considered benign. This variant is a silent/synonymous amino acid change and it is not expected to impact splicing.

Labcorp Genetics (formerly Invitae), Labcorp
Classification: Likely benign for Renal cell carcinoma. Last evaluated: 2021-03-27. Review status: criteria provided, single submitter. Criteria: Invitae Variant Classification Sherloc (09022015). Collection method: clinical testing. Allele origin: germline.

NM_000245.4(MET):c.2046A>C (p.Leu682=)

Gene: MET (MET proto-oncogene, receptor tyrosine kinase; plus strand). Cytogenetic location: 7q31.2.
Variant type: single nucleotide variant.
Coding change: c.2046A>C on transcript NM_000245.4 (MANE Select); coding-DNA position 2046, A replaced by C.
Protein change: p.Leu682=; no amino-acid change (leucine 682 retained).
Molecular consequence: synonymous variant.
Genome position (GRCh38, 1-based): chr7:116,757,718, A>C. VCF-style: chr7-116757718-A-C. GRCh37 (hg19) VCF-style: chr7-116397772-A-C.
Other names: c.2046A>C, p.Leu682= (NM_001127500.3, NM_001324401.3); c.756A>C, p.Leu252= (NM_001324402.2).
Identifiers: ClinVar variation 1530307 (VCV001530307.9), dbSNP rs760609715, ClinGen allele CA4448365.
Genomic context (GRCh38, chr7:116,757,718, plus strand): 5'-TTCGCCGAAATACGGTCCTATGGCTGGTGGCACTTTACTTACTTTAACTGGAAATTACCT[A>C]AACAGTGGGAATTCTAGACACATTTCAATTGGTGGAAAAACATGTACTTTAAAAAGGTGT-3'
Protein context (NP_000236.2, residues 672-692): GTLLTLTGNY[Leu682=]NSGNSRHISI